The following is an entry in ClinVar:

NM_000465.4(BARD1):c.1974C>T (p.Arg658=)

Gene: BARD1 (BRCA1 associated RING domain 1; minus strand). Cytogenetic location: 2q35.
Variant type: single nucleotide variant.
Coding change: c.1974C>T on transcript NM_000465.4 (MANE Select); coding-DNA position 1974, C replaced by T.
Protein change: p.Arg658=; no amino-acid change (arginine 658 retained).
Molecular consequence: synonymous variant. On other transcripts: non-coding transcript variant (3).
Genome position (GRCh38, 1-based): chr2:214,730,438, G>A on the plus strand (C>T on the coding strand, the complement: BARD1 is on the minus strand). VCF-style: chr2-214730438-G-A. GRCh37 (hg19) VCF-style: chr2-215595162-G-A.
Other names: c.1917C>T, p.Arg639= (NM_001282543.2); c.621C>T, p.Arg207= (NM_001282545.2); c.564C>T, p.Arg188= (NM_001282548.2); c.435C>T, p.Arg145= (NM_001282549.2).
Identifiers: ClinVar variation 3378842 (VCV003378842.1).

ClinVar aggregate classification (germline): Benign (1 of 4 stars; one submission).

Conditions:
Familial cancer of breast. Also called: hereditary breast carcinoma; Hereditary breast cancer; BREAST CANCER, FAMILIAL. Identifiers: Orphanet 227535, MedGen C0346153, MONDO:0016419, OMIM 114480. Disease mechanism: loss of function.

Submission:

Myriad Genetics, Inc.
Classification: Benign for Familial cancer of breast. Last evaluated: 2024-07-29. Review status: criteria provided, single submitter. Criteria: Myriad Autosomal Dominant, Autosomal Recessive and X-Linked Classification Criteria (2023). Collection method: clinical testing. Allele origin: unknown.
Comment: This variant is considered benign. This variant is a silent/synonymous amino acid change and it is not expected to impact splicing.